The following is an entry in ClinVar:

ClinVar aggregate classification (germline): Uncertain significance (1 of 4 stars; one submission).

Conditions:
Autosomal recessive limb-girdle muscular dystrophy type 2A (LGMDR1). Also called: MUSCULAR DYSTROPHY, PELVOFEMORAL; Limb-girdle muscular dystrophy, type 2A; Calpainopathy; LEYDEN-MOEBIUS MUSCULAR DYSTROPHY; Muscular dystrophy, limb-girdle, type 2A, Amish. Identifiers: Orphanet 267, MedGen C1869123, MONDO:0009675, OMIM 253600. Disease mechanism: loss of function.

Submission:

Labcorp Genetics (formerly Invitae), Labcorp
Classification: Uncertain significance for Autosomal recessive limb-girdle muscular dystrophy type 2A. Last evaluated: 2023-01-04. Review status: criteria provided, single submitter. Criteria: Invitae Variant Classification Sherloc (09022015). Collection method: clinical testing. Allele origin: germline.
Comment: This sequence change replaces arginine, which is basic and polar, with glycine, which is neutral and non-polar, at codon 315 of the CAPN3 protein (p.Arg315Gly). In summary, the available evidence is currently insufficient to determine the role of this variant in disease. Therefore, it has been classified as a Variant of Uncertain Significance. Algorithms developed to predict the effect of missense changes on protein structure and function (SIFT, PolyPhen-2, Align-GVGD) all suggest that this variant is likely to be tolerated. This variant has not been reported in the literature in individuals affected with CAPN3-related conditions. This variant is not present in population databases (gnomAD no frequency).

NM_000070.3(CAPN3):c.943C>G (p.Arg315Gly)

Gene: CAPN3 (calpain 3; plus strand). Cytogenetic location: 15q15.1.
Variant type: single nucleotide variant.
Coding change: c.943C>G on transcript NM_000070.3 (MANE Select); coding-DNA position 943, C replaced by G.
Protein change: p.Arg315Gly; replaces arginine 315 with glycine.
Molecular consequence: missense variant. On other transcripts: intron variant (1).
Genome position (GRCh38, 1-based): chr15:42,390,094, C>G. VCF-style: chr15-42390094-C-G. GRCh37 (hg19) VCF-style: chr15-42682292-C-G.
Other names: c.943C>G, p.Arg315Gly (NM_024344.2); c.682C>G, p.Arg228Gly (NM_212464.2); c.*636C>G (NM_212467.2); c.801+998C>G (NM_173087.2); short protein forms R228G, R315G.
Identifiers: ClinVar variation 2824499 (VCV002824499.3), dbSNP rs748651267, ClinGen allele CA391998723.